The following is an entry in ClinVar:

NM_014251.3(SLC25A13):c.468+5G>A

Gene: SLC25A13 (solute carrier family 25 member 13; minus strand). Cytogenetic location: 7q21.3.
Variant type: single nucleotide variant.
Coding change: c.468+5G>A on transcript NM_014251.3 (MANE Select); 5 bases into the intron after coding-DNA position 468, G replaced by A.
Molecular consequence: intron variant.
Genome position (GRCh38, 1-based): chr7:96,208,833, C>T on the plus strand (G>A on the coding strand, the complement: SLC25A13 is on the minus strand). VCF-style: chr7-96208833-C-T. GRCh37 (hg19) VCF-style: chr7-95838145-C-T.
Other names: c.468+5G>A (NM_001160210.2).
Identifiers: ClinVar variation 432706 (VCV000432706.2), dbSNP rs1554353948, ClinGen allele CA645372449.
Genomic context (GRCh38, chr7:96,208,833, plus strand): 5'-AGGATTATAGGTGTGAGCCACCGTGCCCGGCCATACCCTTTTAACTTTTTAAGAGCTAGA[C>T]CCACCAATAAAAACTGAGTAAATTCCGCATATGTCAGGTGTCTTTTTCTTTCTTTTCCAA-3'

ClinVar aggregate classification (germline): Likely pathogenic (1 of 4 stars; one submission).

Submission:

GeneDx
Classification: Likely pathogenic. Last evaluated: 2017-06-21. Review status: criteria provided, single submitter. Criteria: GeneDx Variant Classification (06012015). Collection method: clinical testing. Allele origin: germline. Affected: yes.
Comment: The c.468+5 G>A variant has not been published as a pathogenic variant, nor has it been reported as a benign variant to our knowledge. The c.468+5 G>A variant is not observed in large population cohorts (Lek et al., 2016; 1000 Genomes Consortium et al., 2015; Exome Variant Server). This c.468+5 G>A substitution occurs at a position that is conserved across species. The c.468+5 G>A variant is predicated to destroy the canonical splice donor site in intron 5, and is expected to cause abnormal gene splicing. In summary, this variant is likely pathogenic.